The following is an entry in ClinVar:

ClinVar aggregate classification (germline): Uncertain significance (1 of 4 stars; one submission).

Conditions:
Biotin-responsive basal ganglia disease (BTBGD). Also called: Thiamine metabolism dysfunction syndrome type 2; Thiamine Transporter-2 Deficiency; Thiamine metabolism dysfunction syndrome 2 (biotin- or thiamine-responsive encephalopathy type 2); thiamine-responsive encephalopathy; THIAMINE METABOLISM DYSFUNCTION SYNDROME 2 (BIOTIN- AND THIAMINE-RESPONSIVE TYPE). Identifiers: Orphanet 199348, Orphanet 65284, MedGen C1843807, MONDO:0011841, OMIM 607483.

Allele frequency attached by ClinVar (database versions not stated): gnomAD exomes 0.00001.
gnomAD v4.1: 9 of 1,614,130 alleles (0.00056%); highest among the groups gnomAD compares: Non-Finnish European, 0.00076%; no homozygotes.

Submission:

Labcorp Genetics (formerly Invitae), Labcorp
Classification: Uncertain significance for Biotin-responsive basal ganglia disease. Last evaluated: 2022-05-15. Review status: criteria provided, single submitter. Criteria: Invitae Variant Classification Sherloc (09022015). Collection method: clinical testing. Allele origin: germline.
Comment: This sequence change replaces proline, which is neutral and non-polar, with leucine, which is neutral and non-polar, at codon 215 of the SLC19A3 protein (p.Pro215Leu). This variant is present in population databases (no rsID available, gnomAD 0.0009%). This variant has not been reported in the literature in individuals affected with SLC19A3-related conditions. Advanced modeling of protein sequence and biophysical properties (such as structural, functional, and spatial information, amino acid conservation, physicochemical variation, residue mobility, and thermodynamic stability) performed at Invitae indicates that this missense variant is not expected to disrupt SLC19A3 protein function. In summary, the available evidence is currently insufficient to determine the role of this variant in disease. Therefore, it has been classified as a Variant of Uncertain Significance.

NM_025243.4(SLC19A3):c.644C>T (p.Pro215Leu)

Gene: SLC19A3 (solute carrier family 19 member 3; minus strand). Cytogenetic location: 2q36.3.
Variant type: single nucleotide variant.
Coding change: c.644C>T on transcript NM_025243.4 (MANE Select); coding-DNA position 644, C replaced by T.
Protein change: p.Pro215Leu; replaces proline 215 with leucine.
Molecular consequence: missense variant.
Genome position (GRCh38, 1-based): chr2:227,699,071, G>A on the plus strand (C>T on the coding strand, the complement: SLC19A3 is on the minus strand). VCF-style: chr2-227699071-G-A. GRCh37 (hg19) VCF-style: chr2-228563787-G-A.
Other names: c.644C>T, p.Pro215Leu (NM_001371411.1, NM_001371412.1); c.632C>T, p.Pro211Leu (NM_001371413.1, NM_001371414.1); short protein forms P211L, P215L.
Identifiers: ClinVar variation 1994738 (VCV001994738.1), dbSNP rs1037546626, ClinGen allele CA66660317.
Genomic context (GRCh38, chr2:227,699,071, plus strand): 5'-GATGTGGGTTTCTGCTCTTCACAGCCTGGTGCTTCACCTTCGTGAGTTTCCTCTAATACT[G>A]GATTCACGCTTGATGACTTCTTTATTTCTCTGCTGGGTTTTGCATGAAAAAACATGCTTT-3'
Protein context (NP_079519.1, residues 205-225): REIKKSSSVN[Pro215Leu]VLEETHEGEA